The following is an entry in ClinVar:

NM_152296.5(ATP1A3):c.1865G>A (p.Gly622Asp)

Gene: ATP1A3 (ATPase Na+/K+ transporting subunit alpha 3; minus strand). Cytogenetic location: 19q13.2.
Variant type: single nucleotide variant.
Coding change: c.1865G>A on transcript NM_152296.5 (MANE Select); coding-DNA position 1865, G replaced by A.
Protein change: p.Gly622Asp; replaces glycine 622 with aspartic acid.
Molecular consequence: missense variant.
Genome position (GRCh38, 1-based): chr19:41,978,014, C>T on the plus strand (G>A on the coding strand, the complement: ATP1A3 is on the minus strand). VCF-style: chr19-41978014-C-T. GRCh37 (hg19) VCF-style: chr19-42482166-C-T.
Other names: c.1898G>A, p.Gly633Asp (NM_001256213.2); c.1904G>A, p.Gly635Asp (NM_001256214.2); short protein forms G622D, G633D, G635D.
Identifiers: ClinVar variation 3772491 (VCV003772491.13).

ClinVar aggregate classification (germline): Uncertain significance (1 of 4 stars; one submission).

Submission:

CeGaT Center for Human Genetics Tuebingen
Classification: Uncertain significance. Last evaluated: 2025-02-01. Review status: criteria provided, single submitter. Criteria: CeGaT Center For Human Genetics Tuebingen Variant Classification Criteria Version 2. Collection method: clinical testing. Allele origin: germline. Affected: yes. Observed: 1 variant allele.
Comment: ATP1A3: PM2, PP2, PP3